The following is an entry in ClinVar:

NM_006269.2(RP1):c.1841A>G (p.His614Arg)

Gene: RP1 (RP1 axonemal microtubule associated; plus strand). Cytogenetic location: 8q12.1.
Variant type: single nucleotide variant.
Coding change: c.1841A>G on transcript NM_006269.2 (MANE Select); coding-DNA position 1841, A replaced by G.
Protein change: p.His614Arg; replaces histidine 614 with arginine.
Molecular consequence: missense variant. On other transcripts: intron variant (1).
Genome position (GRCh38, 1-based): chr8:54,625,723, A>G. VCF-style: chr8-54625723-A-G. GRCh37 (hg19) VCF-style: chr8-55538283-A-G.
Other names: c.787+3435A>G (NM_001375654.1); short protein forms H614R.
Identifiers: ClinVar variation 910947 (VCV000910947.12), dbSNP rs762549305, ClinGen allele CA4751438.

ClinVar aggregate classification (germline): Uncertain significance. Review status: criteria provided, multiple submitters, no conflicts (2 of 4 stars). 4 submissions from 4 submitters: Uncertain significance (4). Last evaluated 2026-06-15.

Conditions:
RP1-related disorder. Also called: RP1-related condition.
Inborn genetic diseases. Identifiers: MedGen C0950123, MeSH D030342.
Retinitis pigmentosa (RP). Identifiers: Orphanet 791, MedGen C0035334, MeSH D012174, MONDO:0019200, OMIM 268000. Inheritance: Autosomal dominant, autosomal recessive and X linked inheritance.

Allele frequency attached by ClinVar (database versions not stated): gnomAD 0.00005 and 0.00004; TOPMed 0.00008; ExAC 0.00001; gnomAD exomes 0.00001.
gnomAD v4.1: 13 of 1,613,940 alleles (0.00081%); highest among the groups gnomAD compares: Middle Eastern, 0.016%; no homozygotes.

Submissions (4):

PreventionGenetics, part of Exact Sciences
Classification: Uncertain significance for RP1-related condition. Last evaluated: 2026-06-15. Review status: criteria provided, single submitter. Criteria: ACMG Guidelines, 2015. Collection method: clinical testing. Allele origin: germline.
Comment: The RP1 c.1841A>G variant is predicted to result in the amino acid substitution p.His614Arg. To our knowledge, this variant has not been reported in the literature. This variant is reported in 0.0062% of alleles in individuals of African descent in gnomAD. At this time, the clinical significance of this variant is uncertain due to the absence of conclusive functional and genetic evidence.

Ambry Genetics
Classification: Uncertain significance for Inborn genetic diseases. Last evaluated: 2025-10-22. Review status: criteria provided, single submitter. Criteria: Ambry Variant Classification Scheme 2023. Collection method: clinical testing. Allele origin: germline.

Labcorp Genetics (formerly Invitae), Labcorp
Classification: Uncertain significance. Last evaluated: 2022-03-09. Review status: criteria provided, single submitter. Criteria: Invitae Variant Classification Sherloc (09022015). Collection method: clinical testing. Allele origin: germline.
Comment: Algorithms developed to predict the effect of missense changes on protein structure and function are either unavailable or do not agree on the potential impact of this missense change (SIFT: "Tolerated"; PolyPhen-2: "Possibly Damaging"; Align-GVGD: "Class C0"). In summary, the available evidence is currently insufficient to determine the role of this variant in disease. Therefore, it has been classified as a Variant of Uncertain Significance. ClinVar contains an entry for this variant (Variation ID: 910947). This variant has not been reported in the literature in individuals affected with RP1-related conditions. This variant is present in population databases (rs762549305, gnomAD 0.007%). This sequence change replaces histidine, which is basic and polar, with arginine, which is basic and polar, at codon 614 of the RP1 protein (p.His614Arg).

Illumina Laboratory Services, Illumina
Classification: Uncertain significance for Retinitis pigmentosa. Last evaluated: 2018-01-13. Review status: criteria provided, single submitter. Criteria: ICSL Variant Classification Criteria 13 December 2019. Collection method: clinical testing. Allele origin: germline.